The following is an entry in ClinVar:

ClinVar aggregate classification (germline): Pathogenic. Review status: criteria provided, multiple submitters, no conflicts (2 of 4 stars). 2 submissions from 2 submitters: Pathogenic (2). Last evaluated 2025-01-09.

Conditions:
Nemaline myopathy 2 (NEM2). Also called: Nemaline myopathy 2, autosomal recessive. Identifiers: MedGen C1850569, MONDO:0009725, OMIM 256030.

Submissions (2):

Revvity Omics, Revvity
Classification: Pathogenic. Last evaluated: 2025-01-09. Review status: criteria provided, single submitter. Criteria: ACMG Guidelines, 2015. Collection method: clinical testing. Allele origin: germline.

Labcorp Genetics (formerly Invitae), Labcorp
Classification: Pathogenic for Nemaline myopathy 2. Last evaluated: 2021-03-23. Review status: criteria provided, single submitter. Criteria: Invitae Variant Classification Sherloc (09022015). Collection method: clinical testing. Allele origin: germline.
Comment: For these reasons, this variant has been classified as Pathogenic. Loss-of-function variants in NEB are known to be pathogenic (PMID: 25205138). This variant has not been reported in the literature in individuals with NEB-related disease. This variant is not present in population databases (ExAC no frequency). This sequence change creates a premature translational stop signal (p.Tyr689Leufs*14) in the NEB gene. It is expected to result in an absent or disrupted protein product.

Literature cited by the submitters: PubMed 25205138 (cited by Labcorp Genetics (formerly Invitae), Labcorp).

NM_001164508.2(NEB):c.2065dup (p.Tyr689fs)

Gene: NEB (nebulin; minus strand). Cytogenetic location: 2q23.3.
Variant type: Duplication.
Coding change: c.2065dup on transcript NM_001164508.2 (MANE Select); coding-DNA position 2065, one base duplicated (T; older notation c.2065dupT).
Protein change: p.Tyr689fs; shifts the reading frame from tyrosine 689.
Molecular consequence: frameshift variant.
Genome position (GRCh38, 1-based): chr2:151,692,100, A duplicated on the plus strand (T on the coding strand, the reverse complement: NEB is on the minus strand). VCF-style (leftmost placement, unchanged base first): chr2-151692099-T-TA. GRCh37 (hg19) VCF-style: chr2-152548613-T-TA.
Other names: c.2065dup, p.Tyr689fs (NM_001164507.2, NM_001271208.2, NM_004543.5); short protein forms Y689fs.
Identifiers: ClinVar variation 653699 (VCV000653699.10), dbSNP rs1576517390, ClinGen allele CA915942825.
Genomic context (GRCh38, chr2:151,692,099, plus strand): 5'-ACCATTGTCTTCAAACTTACATCACTGTTTTGAGCTGCAACTTTCATGCAGTGTGTGTGA[T>TA]ATGGGTCCTCCATGCTGCCTACATAATGTCCCAAAACATCCTTTACATATAAGTCTTTAT-3'